The following is an entry in ClinVar:

NM_001258392.3(CLPB):c.1492G>A (p.Val498Ile)

Gene: CLPB (ClpB family mitochondrial disaggregase; minus strand). Cytogenetic location: 11q13.4.
Variant type: single nucleotide variant.
Coding change: c.1492G>A on transcript NM_001258392.3 (MANE Select); coding-DNA position 1492, G replaced by A.
Protein change: p.Val498Ile; replaces valine 498 with isoleucine.
Molecular consequence: missense variant.
Genome position (GRCh38, 1-based): chr11:72,294,688, C>T on the plus strand (G>A on the coding strand, the complement: CLPB is on the minus strand). VCF-style: chr11-72294688-C-T. GRCh37 (hg19) VCF-style: chr11-72005732-C-T.
Other names: c.1582G>A (NM_030813.3, NM_030813.5); c.1405G>A, p.Val469Ile (NM_001258393.3); c.1447G>A, p.Val483Ile (NM_001258394.3); c.1582G>A, p.Val528Ile (NM_030813.6); short protein forms V498I, V483I, V469I, V528I.
Identifiers: ClinVar variation 1386018 (VCV001386018.8), dbSNP rs2135486440, ClinGen allele CA381727310.

ClinVar aggregate classification (germline): Uncertain significance. Review status: criteria provided, multiple submitters, no conflicts (2 of 4 stars). 3 submissions from 3 submitters: Uncertain significance (3). Last evaluated 2025-04-24.

Conditions:
3-methylglutaconic aciduria, type VIIB (MGCA7B). Also called: CLPB Deficiency; 3-methylglutaconic aciduria with cataracts, neurologic involvement and neutropenia; 3-methylglutaconic aciduria, type VII, with cataracts, neurologic involvement and neutropenia. Identifiers: Orphanet 445038, MedGen C5676893, MONDO:0014561, OMIM 616271.
Inborn genetic diseases. Identifiers: MedGen C0950123, MeSH D030342.

Submissions (3):

Labcorp Genetics (formerly Invitae), Labcorp
Classification: Uncertain significance for 3-methylglutaconic aciduria, type VIIB. Last evaluated: 2025-04-24. Review status: criteria provided, single submitter. Criteria: Invitae Variant Classification Sherloc (09022015). Collection method: clinical testing. Allele origin: germline.
Comment: This sequence change replaces valine, which is neutral and non-polar, with isoleucine, which is neutral and non-polar, at codon 528 of the CLPB protein (p.Val528Ile). This variant is not present in population databases (gnomAD no frequency). This variant has not been reported in the literature in individuals affected with CLPB-related conditions. ClinVar contains an entry for this variant (Variation ID: 1386018). An algorithm developed to predict the effect of missense changes on protein structure and function (PolyPhen-2) suggests that this variant is likely to be tolerated. In summary, the available evidence is currently insufficient to determine the role of this variant in disease. Therefore, it has been classified as a Variant of Uncertain Significance.

Ambry Genetics
Classification: Uncertain significance for Inborn genetic diseases. Last evaluated: 2024-11-10. Review status: criteria provided, single submitter. Criteria: Ambry Variant Classification Scheme 2023. Collection method: clinical testing. Allele origin: germline.

GeneDx
Classification: Uncertain significance. Last evaluated: 2023-10-13. Review status: criteria provided, single submitter. Criteria: GeneDx Variant Classification Process June 2021. Collection method: clinical testing. Allele origin: germline. Affected: yes.
Comment: Has not been previously published as pathogenic or benign to our knowledge; Not observed at significant frequency in large population cohorts (gnomAD); In silico analysis supports that this missense variant does not alter protein structure/function